The following is an entry in ClinVar:

NM_020207.7(ERCC6L2):c.169G>A (p.Ala57Thr)

Gene: ERCC6L2 (ERCC excision repair 6 like 2; plus strand). Cytogenetic location: 9q22.32.
Variant type: single nucleotide variant.
Coding change: c.169G>A on transcript NM_020207.7 (MANE Select); coding-DNA position 169, G replaced by A.
Protein change: p.Ala57Thr; replaces alanine 57 with threonine.
Molecular consequence: missense variant. On other transcripts: non-coding transcript variant (1).
Genome position (GRCh38, 1-based): chr9:95,880,991, G>A. VCF-style: chr9-95880991-G-A. GRCh37 (hg19) VCF-style: chr9-98643273-G-A.
Other names: c.169G>A, p.Ala57Thr (NM_001010895.4, NM_001375291.1, NM_001375292.1 and 2 more transcripts); short protein forms A57T.
Identifiers: ClinVar variation 4844052 (VCV004844052.1).

ClinVar aggregate classification (germline): Uncertain significance (1 of 4 stars; one submission).

Conditions:
Inborn genetic diseases. Identifiers: MedGen C0950123, MeSH D030342.

Submission:

Ambry Genetics
Classification: Uncertain significance for Inborn genetic diseases. Last evaluated: 2025-12-30. Review status: criteria provided, single submitter. Criteria: Ambry Variant Classification Scheme 2023. Collection method: clinical testing. Allele origin: germline.
Comment: The p.A57T variant (also known as c.169G>A), located in coding exon 2 of the ERCC6L2 gene, results from a G to A substitution at nucleotide position 169. The alanine at codon 57 is replaced by threonine, an amino acid with similar properties. This amino acid position is conserved. In addition, this alteration is predicted to be tolerated by in silico analysis. Based on the available evidence, the clinical significance of this variant remains unclear.